The following is an entry in ClinVar:

NM_005223.4(DNASE1):c.780C>A (p.Ala260=)

Gene: DNASE1 (deoxyribonuclease 1; plus strand). Cytogenetic location: 16p13.3.
Variant type: single nucleotide variant.
Coding change: c.780C>A on transcript NM_005223.4 (MANE Select); coding-DNA position 780, C replaced by A.
Protein change: p.Ala260=; no amino-acid change (alanine 260 retained).
Molecular consequence: synonymous variant. On other transcripts: non-coding transcript variant (2).
Genome position (GRCh38, 1-based): chr16:3,657,795, C>A. VCF-style: chr16-3657795-C-A. GRCh37 (hg19) VCF-style: chr16-3707796-C-A.
Other names: c.780C>A (NM_005223.3); c.780C>A, p.Ala260= (NM_001351825.2, NM_001387135.1, NM_001387140.1); c.849C>A, p.Ala283= (NM_001387139.1); c.573C>A, p.Ala191= (NM_001387141.1).
Identifiers: ClinVar variation 2646125 (VCV002646125.25), dbSNP rs147763166, ClinGen allele CA7867512.

ClinVar aggregate classification (germline): Likely benign. Review status: criteria provided, single submitter (1 of 4 stars). 2 submissions from 2 submitters: Likely benign (1). 1 of the submissions does not count toward it. Last evaluated 2022-09-01.

Conditions:
DNASE1-related disorder. Also called: DNASE1-related condition.

Allele frequency attached by ClinVar (database versions not stated): ESP Exome Variant Server 0.00054.
gnomAD v4.1: 640 of 1,613,766 alleles (0.04%); highest among the groups gnomAD compares: Non-Finnish European, 0.052%; 2 homozygotes.

Submissions (2):

CeGaT Center for Human Genetics Tuebingen
Classification: Likely benign. Last evaluated: 2022-09-01. Review status: criteria provided, single submitter. Criteria: CeGaT Center For Human Genetics Tuebingen Variant Classification Criteria Version 2. Collection method: clinical testing. Allele origin: germline. Affected: yes. Observed: 1 variant allele.
Comment: DNASE1: BP4, BP7

PreventionGenetics, part of Exact Sciences
Classification: Likely benign for DNASE1-related condition. Last evaluated: 2019-05-21. Review status: no assertion criteria provided. Collection method: clinical testing. Allele origin: germline. Not counted in ClinVar's aggregate classification.
Comment: This variant is classified as likely benign based on ACMG/AMP sequence variant interpretation guidelines (Richards et al. 2015 PMID: 25741868, with internal and published modifications).